The following is an entry in ClinVar:

NM_002788.4(PSMA3):c.614T>A (p.Val205Asp)

Genes: PSMA3 (proteasome 20S subunit alpha 3; plus strand), PSMA3-AS1 (PSMA3 antisense RNA 1; minus strand). Cytogenetic location: 14q23.1.
Variant type: single nucleotide variant.
Coding change: c.614T>A on transcript NM_002788.4 (MANE Select); coding-DNA position 614, T replaced by A.
Protein change: p.Val205Asp; replaces valine 205 with aspartic acid.
Molecular consequence: missense variant. On other transcripts: non-coding transcript variant (1).
Genome position (GRCh38, 1-based): chr14:58,270,441, T>A. VCF-style: chr14-58270441-T-A. GRCh37 (hg19) VCF-style: chr14-58737159-T-A.
Other names: c.593T>A, p.Val198Asp (NM_152132.3); short protein forms V198D, V205D.
Identifiers: ClinVar variation 1464833 (VCV001464833.8), dbSNP rs1454925582, ClinGen allele CA389853341.

ClinVar aggregate classification (germline): Uncertain significance (1 of 4 stars; one submission).

Allele frequency attached by ClinVar (database versions not stated): gnomAD exomes below 0.00001; TOPMed below 0.00001; gnomAD 0.00001.
gnomAD v4.1: 7 of 1,613,552 alleles (0.00043%); highest among the groups gnomAD compares: Non-Finnish European, 0.00059%; no homozygotes.

Submission:

Labcorp Genetics (formerly Invitae), Labcorp
Classification: Uncertain significance. Last evaluated: 2021-07-19. Review status: criteria provided, single submitter. Criteria: Invitae Variant Classification Sherloc (09022015). Collection method: clinical testing. Allele origin: germline.
Comment: This variant is not present in population databases (ExAC no frequency). This sequence change replaces valine with aspartic acid at codon 205 of the PSMA3 protein (p.Val205Asp). The valine residue is moderately conserved and there is a large physicochemical difference between valine and aspartic acid. This variant has not been reported in the literature in individuals affected with PSMA3-related conditions. Algorithms developed to predict the effect of missense changes on protein structure and function are either unavailable or do not agree on the potential impact of this missense change (SIFT: "Deleterious"; PolyPhen-2: "Benign"; Align-GVGD: "Class C0"). In summary, the available evidence is currently insufficient to determine the role of this variant in disease. Therefore, it has been classified as a Variant of Uncertain Significance.